The following is an entry in ClinVar:

NM_022436.3(ABCG5):c.727C>T (p.Arg243Ter)

Genes: ABCG5 (ATP binding cassette subfamily G member 5; minus strand), DYNC2LI1 (dynein cytoplasmic 2 light intermediate chain 1; plus strand). Cytogenetic location: 2p21.
Variant type: single nucleotide variant.
Coding change: c.727C>T on transcript NM_022436.3 (MANE Select); coding-DNA position 727, C replaced by T.
Protein change: p.Arg243Ter; replaces arginine 243 with a stop codon.
Molecular consequence: nonsense. On other transcripts: intron variant (2).
Genome position (GRCh38, 1-based): chr2:43,826,429, G>A on the plus strand (C>T on the coding strand, the complement: ABCG5 is on the minus strand). VCF-style: chr2-43826429-G-A. GRCh37 (hg19) VCF-style: chr2-44053568-G-A.
Other names: c.*16-957G>A (NM_001348913.2, NM_001348912.2); short protein forms R243*.
Identifiers: ClinVar variation 4977 (VCV000004977.7), dbSNP rs119479066, ClinGen allele CA253372.

ClinVar aggregate classification (germline): Pathogenic. Review status: criteria provided, multiple submitters, no conflicts (2 of 4 stars). 4 submissions from 4 submitters: Pathogenic (3). 1 of the submissions does not count toward it. Last evaluated 2026-07-30.

Conditions:
ABCG5-related disorder. Also called: ABCG5-related condition.
Sitosterolemia 2. Identifiers: MedGen C5231453, MONDO:0020748, OMIM 618666.
Cardiovascular phenotype. Identifiers: MedGen CN230736.
Sitosterolemia (STSL). Also called: PHYTOSTEROLEMIA. Identifiers: Orphanet 2882, MedGen C0342907, MONDO:0008863.

Allele frequency attached by ClinVar (database versions not stated): gnomAD 0.00001 and below 0.00001; gnomAD exomes 0.00004; TOPMed below 0.00001; ExAC 0.00003.
gnomAD v4.1: 15 of 1,613,926 alleles (0.00093%); highest among the groups gnomAD compares: South Asian, 0.014%; no homozygotes.

Submissions (4):

Ambry Genetics
Classification: Pathogenic for Cardiovascular phenotype. Last evaluated: 2026-07-30. Review status: criteria provided, single submitter. Criteria: Ambry Variant Classification Scheme 2023. Collection method: clinical testing. Allele origin: germline.
Comment: The p.R243* pathogenic mutation (also known as c.727C>T), located in coding exon 6 of the ABCG5 gene, results from a C to T substitution at nucleotide position 727. This changes the amino acid from an arginine to a stop codon within coding exon 6. This variant has been identified in the homozygous state and/or in conjunction with other ABCG5 variant(s) in individual(s) with features consistent with sitosterolemia (Lee MH et al. Nat Genet, 2001 Jan;27:79-83; Jamwal M et al. Pathology, 2017 Dec;49:811-815; Desai SR et al. Indian J Hematol Blood Transfus, 2021 Jan;37:157-161; Guay SP et al. JCEM Case Rep, 2024 May;2:luae086; Warang P et al. Hum Mutat, 2026 May;2026:9208468). This alteration is expected to result in loss of function by premature protein truncation or nonsense-mediated mRNA decay. As such, this alteration is interpreted as a disease-causing mutation.

Labcorp Genetics (formerly Invitae), Labcorp
Classification: Pathogenic for Sitosterolemia. Last evaluated: 2025-08-24. Review status: criteria provided, single submitter. Criteria: Invitae Variant Classification Sherloc (09022015). Collection method: clinical testing. Allele origin: germline.
Comment: This sequence change creates a premature translational stop signal (p.Arg243*) in the ABCG5 gene. It is expected to result in an absent or disrupted protein product. Loss-of-function variants in ABCG5 are known to be pathogenic (PMID: 11138003, 25665839). This variant is present in population databases (rs119479066, gnomAD 0.03%). This premature translational stop signal has been observed in individual(s) with sitosterolemia (PMID: 11138003). ClinVar contains an entry for this variant (Variation ID: 4977). For these reasons, this variant has been classified as Pathogenic.

PreventionGenetics, part of Exact Sciences
Classification: Pathogenic for ABCG5-related condition. Last evaluated: 2025-04-18. Review status: criteria provided, single submitter. Criteria: ACMG Guidelines, 2015. Collection method: clinical testing. Allele origin: germline.
Comment: The ABCG5 c.727C>T variant is predicted to result in premature protein termination (p.Arg243*). This variant was reported in the homozygous state in siblings from two families with sitosterolemia (Fig 2a, Lee et al. 2001. PubMed ID: 11138003; Figure 3, Jamwal et al. 2017. PubMed ID: 29102041). This variant is reported in 0.033% of alleles in individuals of South Asian descent in gnomAD. Nonsense variants in ABCG5 are expected to be pathogenic. This variant is interpreted as pathogenic.

OMIM
Classification: Pathogenic for SITOSTEROLEMIA 2. Last evaluated: 2001-01-01. Review status: no assertion criteria provided. Collection method: literature only. Allele origin: germline. Not counted in ClinVar's aggregate classification.

Literature cited by the submitters: PubMed 11138003 (cited by 3 submitters); PubMed 29102041 (cited by Ambry Genetics); PubMed 33707850 (cited by Ambry Genetics); PubMed 38707657 (cited by Ambry Genetics); PubMed 42111500 (cited by Ambry Genetics); PubMed 25665839 (cited by Labcorp Genetics (formerly Invitae), Labcorp).